The following is an entry in ClinVar:

ClinVar aggregate classification (germline): Benign. Review status: criteria provided, multiple submitters, no conflicts (2 of 4 stars). 7 submissions from 7 submitters: Benign (5). 2 of the submissions do not count toward it. Last evaluated 2026-02-04.

Conditions:
Hyperlipidemia due to hepatic triglyceride lipase deficiency. Also called: LIPC DEFICIENCY. Identifiers: Orphanet 140905, MedGen C3151466, MONDO:0013533, OMIM 614025.

Allele frequency attached by ClinVar (database versions not stated): 1000 Genomes Project 0.93590; 1000 Genomes Project 30x 0.93691; gnomAD 0.94335 and 0.94535; TOPMed 0.94505; ESP Exome Variant Server 0.94548; ExAC 0.96875; gnomAD exomes 0.97206.
gnomAD v4.1: 1,492,075 of 1,530,340 alleles (97%); highest among the groups gnomAD compares: Admixed American, 99%; 728,244 homozygotes.

Submissions (7):

Labcorp Genetics (formerly Invitae), Labcorp
Classification: Benign. Last evaluated: 2026-02-04. Review status: criteria provided, single submitter. Criteria: Invitae Variant Classification Sherloc (09022015). Collection method: clinical testing. Allele origin: germline.

Mayo Clinic Laboratories, Mayo Clinic
Classification: Benign. Last evaluated: 2022-04-26. Review status: criteria provided, single submitter. Criteria: ACMG Guidelines, 2015. Collection method: clinical testing. Allele origin: germline. Observed: 95 variant alleles.

GeneDx
Classification: Benign. Last evaluated: 2018-08-30. Review status: criteria provided, single submitter. Criteria: GeneDx Variant Classification Process June 2021. Collection method: clinical testing. Allele origin: germline. Affected: yes.

Illumina Laboratory Services, Illumina
Classification: Benign for Hyperlipidemia due to hepatic triglyceride lipase deficiency. Last evaluated: 2018-01-13. Review status: criteria provided, single submitter. Criteria: ICSL Variant Classification Criteria 13 December 2019. Collection method: clinical testing. Allele origin: germline.
Comment: This variant was observed in the ICSL laboratory as part of a predisposition screen in an ostensibly healthy population. It had not been previously curated by ICSL or reported in the Human Gene Mutation Database (HGMD: prior to June 1st, 2018), and was therefore a candidate for classification through an automated scoring system. Utilizing variant allele frequency, disease prevalence and penetrance estimates, and inheritance mode, an automated score was calculated to assess if this variant is too frequent to cause the disease. Based on the score and internal cut-off values, a variant classified as benign is not then subjected to further curation. The score for this variant resulted in a classification of benign for this disease.

Breakthrough Genomics
Classification: Benign. Review status: criteria provided, single submitter. Criteria: ACMG Guidelines, 2015. Collection method: not provided. Allele origin: germline. Inheritance: Autosomal recessive inheritance. Affected: yes.

Clinical Genetics, Academic Medical Center
Classification: Benign. Review status: no assertion criteria provided. Collection method: clinical testing. Allele origin: germline. Affected: yes. Study: VKGL Data-share Consensus. Not counted in ClinVar's aggregate classification.

Diagnostic Laboratory, Department of Genetics, University Medical Center Groningen
Classification: Benign. Review status: no assertion criteria provided. Collection method: clinical testing. Allele origin: germline. Affected: yes. Study: VKGL Data-share Consensus. Not counted in ClinVar's aggregate classification.

NM_000236.3(LIPC):c.1098A>G (p.Thr366=)

Gene: LIPC (lipase C, hepatic type; plus strand). Cytogenetic location: 15q21.3.
Variant type: single nucleotide variant.
Coding change: c.1098A>G on transcript NM_000236.3 (MANE Select); coding-DNA position 1098, A replaced by G.
Protein change: p.Thr366=; no amino-acid change (threonine 366 retained).
Molecular consequence: synonymous variant.
Genome position (GRCh38, 1-based): chr15:58,560,910, A>G. VCF-style: chr15-58560910-A-G. GRCh37 (hg19) VCF-style: chr15-58853109-A-G.
Other names: p.Thr366=.
Identifiers: ClinVar variation 316674 (VCV000316674.18), dbSNP rs3829461, ClinGen allele CA7585116.
Genomic context (GRCh38, chr15:58,560,910, plus strand): 5'-GTCTCTCTCTCTAGTTTATCATTACCAGTTCAAGATCCAGTTCATCAACCAAACTGAGAC[A>G]CCAATACAAACAACTTTTACCATGTCACTACTCGGAACAAAAGAGAAAATGCAGAAAATT-3'
Protein context (NP_000227.2, residues 356-376): FKIQFINQTE[Thr366=]PIQTTFTMSL